The following continues an entry in ClinVar:

NM_000531.6(OTC):c.385C>T (p.Arg129Cys)

Gene: OTC. ClinVar aggregate classification (germline): Uncertain significance. Uncertain significance (11).

Submissions 9 to 13 of 13:

Women's Health and Genetics/Laboratory Corporation of America, LabCorp
Classification: Uncertain significance. Last evaluated: 2021-07-08. Review status: criteria provided, single submitter. Criteria: LabCorp Variant Classification Summary - May 2015. Collection method: clinical testing. Allele origin: germline.
Comment: Variant summary: OTC c.385C>T (p.Arg129Cys) results in a non-conservative amino acid change located in the Aspartate/ornithine carbamoyltransferase, carbamoyl-P binding domain (IPR006132) of the encoded protein sequence. Five of five in-silico tools predict a damaging effect of the variant on protein function. This variant is located near a consensus splice site, however 4/4 computational tools predict no significant impact on normal splicing. These predictions have yet to be confirmed by functional studies. The variant allele was found at a frequency of 5e-05 in 181589 control chromosomes. The available data on variant occurrences in the general population are insufficient to allow any conclusion about variant significance. c.385C>T has been reported in the literature in at least one individual affected with Ornithine Transcarbamylase Deficiency (e.g. Shchelochkov_2009). These data do not allow any conclusion about variant significance. To our knowledge, no experimental evidence demonstrating an impact on protein function has been reported. One clinical diagnostic laboratory has submitted clinical-significance assessments for this variant to ClinVar after 2014 without evidence for independent evaluation and cited the variant as uncertain significance. Other variants resulting in different amino acid substitutions at this residue have been reported as pathogenic in ClinVar (c.386G>A, p.R129H and c.386G>T, R129L). Based on the evidence outlined above, the variant was classified as VUS-possibly pathogenic.

Laboratory for Molecular Medicine, Mass General Brigham Personalized Medicine
Classification: Uncertain significance. Last evaluated: 2020-06-11. Review status: criteria provided, single submitter. Criteria: ACMG Guidelines, 2015. Collection method: clinical testing. Allele origin: germline.
Comment: The p.Arg129Cys variant in OTC has been reported in 1 individual with Ornithine transcarbamylase deficiency (Shchelochkov 2009). This variant has been identified in 11/203121 chromosomes in gnomAD, including 1 hemizygote. Computational prediction tools and conservation analysis suggest that the p.Arg129Cys variant may impact the protein, though this information is not predictive enough to determine pathogenicity. In addition, this variant is located in the second to last base of the exon, which is part of the 5' splice consensus sequence. However, it is not predicted to impact splicing. In summary, the clinical significance of the p.Arg129Cys variant is uncertain. ACMG/AMP criteria applied: PP3.

Centre for Mendelian Genomics, University Medical Centre Ljubljana
Classification: Uncertain significance for Ornithine carbamoyltransferase deficiency. Last evaluated: 2019-08-21. Review status: criteria provided, single submitter. Criteria: ACMG Guidelines, 2015. Collection method: clinical testing. Allele origin: unknown. Affected: yes.
Comment: This variant was classified as: Uncertain significance. The available evidence on this variant's pathogenicity is insufficient or conflicting. The following ACMG criteria were applied in classifying this variant: PP3. This variant was detected in hemizygous state.

Natera, Inc.
Classification: Uncertain significance for Ornithine transcarbamylase deficiency. Last evaluated: 2020-06-24. Review status: no assertion criteria provided. Collection method: clinical testing. Allele origin: germline. Not counted in ClinVar's aggregate classification.

CSER _CC_NCGL, University of Washington
Classification: Uncertain significance for Ornithine transcarbamylase deficiency. Last evaluated: 2014-06-01. Review status: no assertion criteria provided. Collection method: research. Allele origin: germline. Inheritance: X-linked inheritance. Study: ESP 6500 variant annotation. Not counted in ClinVar's aggregate classification.
Comment: Variants classified for the Actionable exomic incidental findings in 6503 participants: challenges of variant classification manuscript

Literature cited by the submitters: PubMed 19138872 (cited by 5 submitters); PubMed 37146589 (cited by Labcorp Genetics (formerly Invitae), Labcorp); PubMed 34906067 (cited by Color Diagnostics, LLC DBA Color Health and Victorian Clinical Genetics Services, Murdoch Childrens Research Institute); PubMed 25637381 (cited by 3 submitters); PubMed 33272297 (cited by Victorian Clinical Genetics Services, Murdoch Childrens Research Institute); PubMed 24055113 (cited by Women's Health and Genetics/Laboratory Corporation of America, LabCorp and Laboratory for Molecular Medicine, Mass General Brigham Personalized Medicine); PubMed 26059767 (cited by Women's Health and Genetics/Laboratory Corporation of America, LabCorp); PubMed 28324312 (cited by Women's Health and Genetics/Laboratory Corporation of America, LabCorp); PubMed 25525159 (cited by Laboratory for Molecular Medicine, Mass General Brigham Personalized Medicine).